The following is an entry in ClinVar:

NM_006231.4(POLE):c.5275G>T (p.Asp1759Tyr)

Gene: POLE (DNA polymerase epsilon, catalytic subunit; minus strand). Cytogenetic location: 12q24.33.
Variant type: single nucleotide variant.
Coding change: c.5275G>T on transcript NM_006231.4 (MANE Select); coding-DNA position 5275, G replaced by T.
Protein change: p.Asp1759Tyr; replaces aspartic acid 1759 with tyrosine.
Molecular consequence: missense variant.
Genome position (GRCh38, 1-based): chr12:132,641,750, C>A on the plus strand (G>T on the coding strand, the complement: POLE is on the minus strand). VCF-style: chr12-132641750-C-A. GRCh37 (hg19) VCF-style: chr12-133218336-C-A.
Other names: c.5275G>T (NM_006231.2); short protein forms D1759Y.
Identifiers: ClinVar variation 571471 (VCV000571471.8), dbSNP rs768559928, ClinGen allele CA387376206.

ClinVar aggregate classification (germline): Uncertain significance. Review status: criteria provided, multiple submitters, no conflicts (2 of 4 stars). 2 submissions from 2 submitters: Uncertain significance (2). Last evaluated 2025-09-13.

Conditions:
Hereditary cancer-predisposing syndrome. Also called: Hereditary neoplastic syndrome; Tumor predisposition; Neoplastic Syndromes, Hereditary; Hereditary Cancer Syndrome. Identifiers: Orphanet 140162, MedGen C0027672, MeSH D009386, MONDO:0015356.

Submissions (2):

Labcorp Genetics (formerly Invitae), Labcorp
Classification: Uncertain significance. Last evaluated: 2025-09-13. Review status: criteria provided, single submitter. Criteria: Invitae Variant Classification Sherloc (09022015). Collection method: clinical testing. Allele origin: germline.
Comment: This sequence change replaces aspartic acid, which is acidic and polar, with tyrosine, which is neutral and polar, at codon 1759 of the POLE protein (p.Asp1759Tyr). This variant is not present in population databases (gnomAD no frequency). This variant has not been reported in the literature in individuals affected with POLE-related conditions. ClinVar contains an entry for this variant (Variation ID: 571471). Invitae Evidence Modeling of protein sequence and biophysical properties (such as structural, functional, and spatial information, amino acid conservation, physicochemical variation, residue mobility, and thermodynamic stability) has been performed for this missense variant. However, the output from this modeling did not meet the statistical confidence thresholds required to predict the impact of this variant on POLE protein function. In summary, the available evidence is currently insufficient to determine the role of this variant in disease. Therefore, it has been classified as a Variant of Uncertain Significance.

Ambry Genetics
Classification: Uncertain significance for Hereditary cancer-predisposing syndrome. Last evaluated: 2023-02-24. Review status: criteria provided, single submitter. Criteria: Ambry Variant Classification Scheme 2023. Collection method: clinical testing. Allele origin: germline.
Comment: The p.D1759Y variant (also known as c.5275G>T), located in coding exon 39 of the POLE gene, results from a G to T substitution at nucleotide position 5275. The aspartic acid at codon 1759 is replaced by tyrosine, an amino acid with highly dissimilar properties. This amino acid position is conserved. In addition, the in silico prediction for this alteration is inconclusive. Since supporting evidence is limited at this time, the clinical significance of this alteration remains unclear.